The following is an entry in ClinVar:

ClinVar aggregate classification (germline): Uncertain significance (1 of 4 stars; one submission).

Allele frequency attached by ClinVar (database versions not stated): gnomAD exomes 0.00001; TOPMed 0.00003.
gnomAD v4.1: 14 of 1,613,888 alleles (0.00087%); highest among the groups gnomAD compares: Admixed American, 0.0033%; no homozygotes.

Submission:

Labcorp Genetics (formerly Invitae), Labcorp
Classification: Uncertain significance. Last evaluated: 2022-10-13. Review status: criteria provided, single submitter. Criteria: Invitae Variant Classification Sherloc (09022015). Collection method: clinical testing. Allele origin: germline.
Comment: This sequence change replaces serine, which is neutral and polar, with leucine, which is neutral and non-polar, at codon 150 of the CA4 protein (p.Ser150Leu). This variant is present in population databases (no rsID available, gnomAD 0.006%). This missense change has been observed in individual(s) with retinitis pigmentosa (Invitae). ClinVar contains an entry for this variant (Variation ID: 324232). Algorithms developed to predict the effect of missense changes on protein structure and function output the following: SIFT: "Not Available"; PolyPhen-2: "Benign"; Align-GVGD: "Not Available". The leucine amino acid residue is found in multiple mammalian species, which suggests that this missense change does not adversely affect protein function. In summary, the available evidence is currently insufficient to determine the role of this variant in disease. Therefore, it has been classified as a Variant of Uncertain Significance.

NM_000717.5(CA4):c.449C>T (p.Ser150Leu)

Gene: CA4 (carbonic anhydrase 4; plus strand). Cytogenetic location: 17q23.1.
Variant type: single nucleotide variant.
Coding change: c.449C>T on transcript NM_000717.5 (MANE Select); coding-DNA position 449, C replaced by T.
Protein change: p.Ser150Leu; replaces serine 150 with leucine.
Molecular consequence: missense variant. On other transcripts: non-coding transcript variant (1).
Genome position (GRCh38, 1-based): chr17:60,157,724, C>T. VCF-style: chr17-60157724-C-T. GRCh37 (hg19) VCF-style: chr17-58235085-C-T.
Other names: short protein forms S150L.
Identifiers: ClinVar variation 324232 (VCV000324232.10), dbSNP rs867271887, ClinGen allele CA10646261.
Genomic context (GRCh38, chr17:60,157,724, plus strand): 5'-CCTTTTCACCCCTCCACCCCGACCAGATGCACATAGTACATGAGAAAGAGAAGGGGACAT[C>T]GAGGAATGTGAAAGAGGCCCAGGACCCTGAAGACGAAATTGCGGTGCTGGCCTTTCTGGT-3'
Protein context (NP_000708.1, residues 140-160): HIVHEKEKGT[Ser150Leu]RNVKEAQDPE